The following is an entry in ClinVar:

NM_004369.4(COL6A3):c.438C>T (p.Ile146=)

Gene: COL6A3 (collagen type VI alpha 3 chain; minus strand). Cytogenetic location: 2q37.3.
Variant type: single nucleotide variant.
Coding change: c.438C>T on transcript NM_004369.4 (MANE Select); coding-DNA position 438, C replaced by T.
Protein change: p.Ile146=; no amino-acid change (isoleucine 146 retained).
Molecular consequence: synonymous variant. On other transcripts: intron variant (4).
Genome position (GRCh38, 1-based): chr2:237,394,858, G>A on the plus strand (C>T on the coding strand, the complement: COL6A3 is on the minus strand). VCF-style: chr2-237394858-G-A. GRCh37 (hg19) VCF-style: chr2-238303501-G-A.
Other names: c.91+1869C>T (NM_057166.5, NM_057167.4, NM_057164.5 and 1 more transcripts).
Identifiers: ClinVar variation 288620 (VCV000288620.16), dbSNP rs781449958, ClinGen allele CA2189869.

ClinVar aggregate classification (germline): Conflicting classifications of pathogenicity. Review status: criteria provided, conflicting classifications (1 of 4 stars). 4 submissions from 4 submitters: Uncertain significance (1); Likely benign (3). Last evaluated 2026-09-01.

Conditions:
Bethlem myopathy 1A. Also called: Bethlem Muscular Dystrophy; MYOPATHY, BENIGN CONGENITAL, WITH CONTRACTURES; Bethlem myopathy 1. Identifiers: Orphanet 610, MedGen CN029274, MONDO:0024530, OMIM 158810.

Allele frequency attached by ClinVar (database versions not stated): gnomAD exomes 0.00002 and 0.00001; TOPMed 0.00002; ExAC 0.00003; gnomAD 0.00003.
gnomAD v4.1: 23 of 1,613,236 alleles (0.0014%); highest among the groups gnomAD compares: African/African-American, 0.0027%; no homozygotes.

Submissions (4):

CeGaT Center for Human Genetics Tuebingen
Classification: Likely benign. Last evaluated: 2026-09-01. Review status: criteria provided, single submitter. Criteria: CeGaT Center For Human Genetics Tuebingen Variant Classification Criteria Version 2. Collection method: clinical testing. Allele origin: germline. Affected: yes. Observed: 1 variant allele.
Comment: COL6A3: BP4, BP7

Labcorp Genetics (formerly Invitae), Labcorp
Classification: Likely benign for Bethlem myopathy 1A. Last evaluated: 2024-11-06. Review status: criteria provided, single submitter. Criteria: Invitae Variant Classification Sherloc (09022015). Collection method: clinical testing. Allele origin: germline.

GeneDx
Classification: Likely benign. Last evaluated: 2021-06-17. Review status: criteria provided, single submitter. Criteria: GeneDx Variant Classification Process June 2021. Collection method: clinical testing. Allele origin: germline. Affected: yes.

Eurofins Ntd Llc (ga)
Classification: Uncertain significance. Last evaluated: 2016-06-08. Review status: criteria provided, single submitter. Criteria: EGL Classification Definitions 2015. Collection method: clinical testing. Allele origin: germline. Observed: 1 variant allele, 1 heterozygote.